The following is an entry in ClinVar:

ClinVar aggregate classification (germline): Uncertain significance (1 of 4 stars; one submission).

Conditions:
DYRK1A-related intellectual disability syndrome (MRD7). Also called: Intellectual developmental disorder, autosomal dominant 7; DYRK1A Syndrome. Identifiers: Orphanet 464306, MedGen C5568143, MONDO:0013578, OMIM 614104.

Submission:

Labcorp Genetics (formerly Invitae), Labcorp
Classification: Uncertain significance for DYRK1A-related intellectual disability syndrome. Last evaluated: 2020-02-19. Review status: criteria provided, single submitter. Criteria: Invitae Variant Classification Sherloc (09022015). Collection method: clinical testing. Allele origin: germline.
Comment: This sequence change replaces tyrosine with cysteine at codon 415 of the DYRK1A protein (p.Tyr415Cys). The tyrosine residue is highly conserved and there is a large physicochemical difference between tyrosine and cysteine. This variant is not present in population databases (ExAC no frequency). This variant has not been reported in the literature in individuals with DYRK1A-related conditions. Algorithms developed to predict the effect of missense changes on protein structure and function (SIFT, PolyPhen-2, Align-GVGD) all suggest that this variant is likely to be disruptive, but these predictions have not been confirmed by published functional studies and their clinical significance is uncertain. In summary, the available evidence is currently insufficient to determine the role of this variant in disease. Therefore, it has been classified as a Variant of Uncertain Significance.

NM_001347721.2(DYRK1A):c.1217A>G (p.Tyr406Cys)

Gene: DYRK1A (dual specificity tyrosine phosphorylation regulated kinase 1A; plus strand). Cytogenetic location: 21q22.13.
Variant type: single nucleotide variant.
Coding change: c.1217A>G on transcript NM_001347721.2 (MANE Select); coding-DNA position 1217, A replaced by G.
Protein change: p.Tyr406Cys; replaces tyrosine 406 with cysteine.
Molecular consequence: missense variant.
Genome position (GRCh38, 1-based): chr21:37,505,287, A>G. VCF-style: chr21-37505287-A-G. GRCh37 (hg19) VCF-style: chr21-38877590-A-G.
Other names: c.1130A>G, p.Tyr377Cys (NM_001347723.2); c.1244A>G, p.Tyr415Cys (NM_001396.5, NM_101395.2, NM_130438.2); c.1217A>G, p.Tyr406Cys (NM_130436.2, NM_001347722.2); short protein forms Y377C, Y406C, Y415C.
Identifiers: ClinVar variation 1015128 (VCV001015128.10), dbSNP rs2053560557, ClinGen allele CA409937814.